The following is an entry in ClinVar:

NM_000059.4(BRCA2):c.8488-36T>G

Gene: BRCA2 (BRCA2 DNA repair associated; plus strand). Cytogenetic location: 13q13.1.
Variant type: single nucleotide variant.
Coding change: c.8488-36T>G on transcript NM_000059.4 (MANE Select); 36 bases into the intron before coding-DNA position 8488, T replaced by G.
Molecular consequence: intron variant.
Genome position (GRCh38, 1-based): chr13:32,370,920, T>G. VCF-style: chr13-32370920-T-G. GRCh37 (hg19) VCF-style: chr13-32945057-T-G.
Other names: c.8488-36T>G (NM_001432077.1, NM_001406720.1); c.8392-36T>G (NM_001406719.1); c.3556-36T>G (NM_001406721.1); c.2071-36T>G (NM_001406722.1).
Identifiers: ClinVar variation 4842968 (VCV004842968.1).

ClinVar aggregate classification (germline): Uncertain significance (1 of 4 stars; one submission).

Conditions:
Hereditary cancer-predisposing syndrome. Also called: Neoplastic Syndromes, Hereditary; Tumor predisposition; Hereditary Cancer Syndrome; Hereditary neoplastic syndrome. Identifiers: Orphanet 140162, MedGen C0027672, MeSH D009386, MONDO:0015356.

Submission:

Ambry Genetics
Classification: Uncertain significance for Hereditary cancer-predisposing syndrome. Last evaluated: 2025-12-26. Review status: criteria provided, single submitter. Criteria: Ambry Variant Classification Scheme 2023. Collection method: clinical testing. Allele origin: germline.
Comment: The c.8488-36T>G intronic variant results from a T to G substitution 36 nucleotides upstream from coding exon 19 in the BRCA2 gene. This nucleotide position is well conserved in available vertebrate species. In silico splice site analysis predicts that this alteration may result in the creation or strengthening of a novel splice acceptor site; however, direct evidence is insufficient at this time (Ambry internal data). Based on the available evidence, the clinical significance of this variant remains unclear.